The following is an entry in ClinVar:

NM_001267550.2(TTN):c.30269G>A (p.Ser10090Asn)

Gene: TTN (titin; minus strand). Cytogenetic location: 2q31.2.
Variant type: single nucleotide variant.
Coding change: c.30269G>A on transcript NM_001267550.2 (MANE Select); coding-DNA position 30269, G replaced by A.
Protein change: p.Ser10090Asn; replaces serine 10090 with asparagine.
Molecular consequence: missense variant. On other transcripts: intron variant (3).
Genome position (GRCh38, 1-based): chr2:178,702,618, C>T on the plus strand (G>A on the coding strand, the complement: TTN is on the minus strand). VCF-style: chr2-178702618-C-T. GRCh37 (hg19) VCF-style: chr2-179567345-C-T.
Other names: c.29318G>A, p.Ser9773Asn (NM_001256850.1); c.26537G>A, p.Ser8846Asn (NM_133378.4); c.13282+35464G>A (NM_003319.4); c.13858+35464G>A (NM_133437.4); c.13657+35464G>A (NM_133432.3); short protein forms S10090N, S8846N, S9773N.
Identifiers: ClinVar variation 1334476 (VCV001334476.4), dbSNP rs2075204317, ClinGen allele CA349572072.

ClinVar aggregate classification (germline): Uncertain significance (1 of 4 stars; one submission).

Allele frequency attached by ClinVar (database versions not stated): gnomAD 0.00001; gnomAD exomes 0.00001.
gnomAD v4.1: 6 of 1,613,858 alleles (0.00037%); highest among the groups gnomAD compares: Non-Finnish European, 0.00042%; no homozygotes.

Submission:

Greenwood Genetic Center Diagnostic Laboratories, Greenwood Genetic Center
Classification: Uncertain significance. Last evaluated: 2021-06-02. Review status: criteria provided, single submitter. Criteria: ACMG Guidelines, 2015. Collection method: clinical testing. Allele origin: germline. Affected: yes.
Comment: PM2